The following is an entry in ClinVar:

NM_001374828.1(ARID1B):c.1541G>A (p.Arg514Gln)

Gene: ARID1B (AT-rich interaction domain 1B; plus strand). Cytogenetic location: 6q25.3.
Variant type: single nucleotide variant.
Coding change: c.1541G>A on transcript NM_001374828.1 (MANE Select); coding-DNA position 1541, G replaced by A.
Protein change: p.Arg514Gln; replaces arginine 514 with glutamine.
Molecular consequence: missense variant.
Genome position (GRCh38, 1-based): chr6:156,779,221, G>A. VCF-style: chr6-156779221-G-A. GRCh37 (hg19) VCF-style: chr6-157100355-G-A.
Other names: c.1292G>A, p.Arg431Gln (NM_001346813.1, NM_020732.3); c.1541G>A, p.Arg514Gln (NM_001371656.1, NM_001374820.1, NM_017519.3); c.1118G>A, p.Arg373Gln (NM_175863.2); short protein forms R514Q, R373Q, R431Q.
Identifiers: ClinVar variation 1810650 (VCV001810650.1), dbSNP rs2114999266, ClinGen allele CA366384761.

ClinVar aggregate classification (germline): Uncertain significance (1 of 4 stars; one submission).

Submission:

GeneDx
Classification: Uncertain significance. Last evaluated: 2022-07-05. Review status: criteria provided, single submitter. Criteria: GeneDx Variant Classification Process June 2021. Collection method: clinical testing. Allele origin: germline. Affected: yes.
Comment: Not observed at significant frequency in large population cohorts (gnomAD); In silico analysis supports that this missense variant does not alter protein structure/function; Has not been previously published as pathogenic or benign to our knowledge